The following is an entry in ClinVar:

NM_017951.5(SMPD4):c.1249_1251delinsTCA (p.Pro417Ser)

Gene: SMPD4 (sphingomyelin phosphodiesterase 4; minus strand). Cytogenetic location: 2q21.1.
Variant type: Indel.
Coding change: c.1249_1251delinsTCA on transcript NM_017951.5 (MANE Select); coding-DNA positions 1249 to 1251, CCG replaced by TCA.
Protein change: p.Pro417Ser; replaces proline 417 with serine.
Molecular consequence: missense variant. On other transcripts: non-coding transcript variant (2).
Genome position (GRCh38, 1-based): chr2:130,156,073-130,156,075, CGG replaced by TGA on the plus strand (CCG replaced by TCA on the coding strand, the reverse complement: SMPD4 is on the minus strand). VCF-style: chr2-130156073-CGG-TGA. GRCh37 (hg19) VCF-style: chr2-130913646-CGG-TGA.
Other names: c.1060_1062delinsTCA, p.Pro354Ser (NM_001171083.2); c.1279_1281delinsTCA, p.Pro427Ser (NM_017751.4); short protein forms P354S, P417S, P427S.
Identifiers: ClinVar variation 1804250 (VCV001804250.2), dbSNP rs2467172417, ClinGen allele CA2580063806.

ClinVar aggregate classification (germline): Uncertain significance (1 of 4 stars; one submission).

Submission:

GeneDx
Classification: Uncertain significance. Last evaluated: 2025-07-16. Review status: criteria provided, single submitter. Criteria: GeneDx Variant Classification Process June 2021. Collection method: clinical testing. Allele origin: germline.
Comment: In silico analysis suggests that this variant does not alter protein structure/function; Has not been previously published as pathogenic or benign to our knowledge